The following is an entry in ClinVar:

ClinVar aggregate classification (germline): Conflicting classifications of pathogenicity. Review status: criteria provided, conflicting classifications (1 of 4 stars). 6 submissions from 6 submitters: Uncertain significance (1); Benign (3). 2 of the submissions do not count toward it. Last evaluated 2026-02-04.

Conditions:
Woodhouse-Sakati syndrome. Also called: EXTRAPYRAMIDAL DISORDER, PROGRESSIVE, WITH PRIMARY HYPOGONADISM, MENTAL RETARDATION, AND ALOPECIA; Hypogonadism, diabetes mellitus, alopecia, mental retardation and electrocardiographic abnormalities; Hypogonadism, Alopecia, Diabetes Mellitus, Mental Retardation, and Extrapyramidal Syndrome. Identifiers: Orphanet 3464, MedGen C0342286, MONDO:0009419, OMIM 241080.

Submissions (6):

Labcorp Genetics (formerly Invitae), Labcorp
Classification: Benign for Woodhouse-Sakati syndrome. Last evaluated: 2026-02-04. Review status: criteria provided, single submitter. Criteria: Invitae Variant Classification Sherloc (09022015). Collection method: clinical testing. Allele origin: germline.

Molecular Genetics, Royal Melbourne Hospital
Classification: Benign for Woodhouse-Sakati syndrome. Last evaluated: 2023-05-04. Review status: criteria provided, single submitter. Criteria: ACMG Guidelines, 2015. Collection method: clinical testing. Allele origin: germline. Affected: yes.
Comment: Latino/Admixed American population allele frequency is 23.58% (rs139655160, 4,990/20,550 alleles, 284 homozygotes in gnomAD v2.1). Based on the classification scheme RMH Modified ACMG/AMP Guidelines v1.0, this variant is classified as BENIGN. Following criteria are met: BA1

GeneDx
Classification: Benign. Last evaluated: 2019-08-13. Review status: criteria provided, single submitter. Criteria: GeneDx Variant Classification Process June 2021. Collection method: clinical testing. Allele origin: germline. Affected: yes.

Clinical Genomics, Uppaluri K&H Personalized Medicine Clinic
Classification: Uncertain significance for Woodhouse-Sakati syndrome. Review status: criteria provided, single submitter. Criteria: K & H Uppaluri Personalized Medicine Clinic Variant Classification & Assertion Criteria_Updated V.1. Collection method: research. Allele origin: unknown. Inheritance: Autosomal recessive inheritance.
Comment: Mutations in DCAF17 have been associated with a rare syndrome called Woodhouse Sakati Syndrome, which can have diabetes mellitus as one of the presentations.However no sufficient evidence is found to ascertain the role of this particular variant rs139655160, yet.

Diagnostic Laboratory, Department of Genetics, University Medical Center Groningen
Classification: Benign. Review status: no assertion criteria provided. Collection method: clinical testing. Allele origin: germline. Affected: yes. Study: VKGL Data-share Consensus. Not counted in ClinVar's aggregate classification.

Genome Diagnostics Laboratory, Amsterdam University Medical Center
Classification: Likely benign. Review status: no assertion criteria provided. Collection method: clinical testing. Allele origin: germline. Affected: yes. Study: VKGL Data-share Consensus. Not counted in ClinVar's aggregate classification.

Literature cited by the submitters: PubMed 31347785 (cited by Clinical Genomics, Uppaluri K&H Personalized Medicine Clinic); PubMed 35876063 (cited by Clinical Genomics, Uppaluri K&H Personalized Medicine Clinic); PubMed 27489925 (cited by Clinical Genomics, Uppaluri K&H Personalized Medicine Clinic).

NM_025000.4(DCAF17):c.322-15dup

Gene: DCAF17 (DDB1 and CUL4 associated factor 17; plus strand). Cytogenetic location: 2q31.1.
Variant type: Duplication.
Coding change: c.322-15dup on transcript NM_025000.4 (MANE Select); 15 bases into the intron before coding-DNA position 322, one base duplicated (T; older notation c.322-15dupT).
Molecular consequence: intron variant.
Genome position (GRCh38, 1-based): chr2:171,448,666, T duplicated. VCF-style (leftmost placement, unchanged base first): chr2-171448665-C-CT. GRCh37 (hg19) VCF-style: chr2-172305175-C-CT.
Other names: c.322-15dup (NM_001164821.2); c.322-15dupT (NM_025000.4).
Identifiers: ClinVar variation 1169859 (VCV001169859.16), dbSNP rs139655160, ClinGen allele CA1964630.
Genomic context (GRCh38, chr2:171,448,665, plus strand): 5'-TTTCTTTGGACATTGATTACTGCAAATTGTTCATGGCCAAGCAGTTTCATTTTTATATCT[C>CT]TCTTTTTTTTTTTAGGGAGATATACTTCCCAATTCATCAGATTATAAGTCCTCACTCATA-3'